The following is an entry in ClinVar:

ClinVar aggregate classification (germline): Uncertain significance (1 of 4 stars; one submission).

Conditions:
Distal hereditary motor neuropathy type 2. Identifiers: Orphanet 139525, MedGen C3711384, MeSH C580044, MONDO:0015352.

Submission:

Labcorp Genetics (formerly Invitae), Labcorp
Classification: Uncertain significance for Distal hereditary motor neuropathy type 2. Last evaluated: 2025-12-09. Review status: criteria provided, single submitter. Criteria: Invitae Variant Classification Sherloc (09022015). Collection method: clinical testing. Allele origin: germline.
Comment: This sequence change replaces aspartic acid, which is acidic and polar, with glutamic acid, which is acidic and polar, at codon 539 of the FBXO38 protein (p.Asp539Glu). This variant is not present in population databases (gnomAD no frequency). This variant has not been reported in the literature in individuals affected with FBXO38-related conditions. An algorithm developed to predict the effect of missense changes on protein structure and function outputs the following: PolyPhen-2: "Probably Damaging". The glutamic acid amino acid residue is found in multiple mammalian species, which suggests that this missense change does not adversely affect protein function. In summary, the available evidence is currently insufficient to determine the role of this variant in disease. Therefore, it has been classified as a Variant of Uncertain Significance.

NM_205836.3(FBXO38):c.1617C>G (p.Asp539Glu)

Gene: FBXO38 (F-box protein 38; plus strand). Cytogenetic location: 5q32.
Variant type: single nucleotide variant.
Coding change: c.1617C>G on transcript NM_205836.3 (MANE Select); coding-DNA position 1617, C replaced by G.
Protein change: p.Asp539Glu; replaces aspartic acid 539 with glutamic acid.
Molecular consequence: missense variant.
Genome position (GRCh38, 1-based): chr5:148,417,203, C>G. VCF-style: chr5-148417203-C-G. GRCh37 (hg19) VCF-style: chr5-147796766-C-G.
Other names: c.1617C>G, p.Asp539Glu (NM_001271723.2, NM_030793.5); short protein forms D539E.
Identifiers: ClinVar variation 4804936 (VCV004804936.1).
Genomic context (GRCh38, chr5:148,417,203, plus strand): 5'-AGACGAGGAGAATGACTTTCGGCAAGATCTGCAGCCAGGAGAGCAGCAGTTTGCAGCTGA[C>G]GGTAACCCAGATCTTTTATGAGCTCCAGATAGAAATGATTTTCACTTTGTATTGTATTTC-3'
Protein context (NP_995308.1, residues 529-549): LQPGEQQFAA[Asp539Glu]ALNEMEDIVQ